The following is an entry in ClinVar:

ClinVar aggregate classification (germline): Uncertain significance (1 of 4 stars; one submission).

Submission:

Labcorp Genetics (formerly Invitae), Labcorp
Classification: Uncertain significance. Last evaluated: 2024-07-17. Review status: criteria provided, single submitter. Criteria: Invitae Variant Classification Sherloc (09022015). Collection method: clinical testing. Allele origin: germline.
Comment: This sequence change replaces glutamic acid, which is acidic and polar, with lysine, which is basic and polar, at codon 521 of the BCL11B protein (p.Glu521Lys). This variant is not present in population databases (gnomAD no frequency). This variant has not been reported in the literature in individuals affected with BCL11B-related conditions. Advanced modeling of protein sequence and biophysical properties (such as structural, functional, and spatial information, amino acid conservation, physicochemical variation, residue mobility, and thermodynamic stability) performed at Invitae indicates that this missense variant is not expected to disrupt BCL11B protein function with a negative predictive value of 80%. In summary, the available evidence is currently insufficient to determine the role of this variant in disease. Therefore, it has been classified as a Variant of Uncertain Significance.

NM_138576.4(BCL11B):c.1561G>A (p.Glu521Lys)

Gene: BCL11B (BCL11 transcription factor B; minus strand). Cytogenetic location: 14q32.2.
Variant type: single nucleotide variant.
Coding change: c.1561G>A on transcript NM_138576.4 (MANE Select); coding-DNA position 1561, G replaced by A.
Protein change: p.Glu521Lys; replaces glutamic acid 521 with lysine.
Molecular consequence: missense variant.
Genome position (GRCh38, 1-based): chr14:99,175,275, C>T on the plus strand (G>A on the coding strand, the complement: BCL11B is on the minus strand). VCF-style: chr14-99175275-C-T. GRCh37 (hg19) VCF-style: chr14-99641612-C-T.
Other names: c.1558G>A, p.Glu520Lys (NM_001282237.2); c.1345G>A, p.Glu449Lys (NM_001282238.2); c.1348G>A, p.Glu450Lys (NM_022898.3); short protein forms E449K, E450K, E520K, E521K.
Identifiers: ClinVar variation 3607767 (VCV003607767.2).